The following is an entry in ClinVar:

ClinVar aggregate classification (germline): Conflicting classifications of pathogenicity. Review status: criteria provided, conflicting classifications (1 of 4 stars). 2 submissions from 2 submitters: Uncertain significance (1); Benign (1). Last evaluated 2025-12-01.

Allele frequency attached by ClinVar (database versions not stated): gnomAD 0.00037 and 0.00039; gnomAD exomes 0.00061; ExAC 0.00082.

Submissions (2):

CeGaT Center for Human Genetics Tuebingen
Classification: Benign. Last evaluated: 2025-12-01. Review status: criteria provided, single submitter. Criteria: CeGaT Center For Human Genetics Tuebingen Variant Classification Criteria Version 2. Collection method: clinical testing. Allele origin: germline. Affected: yes. Observed: 2 variant alleles.
Comment: CEL: BS1, BS2

AiLife Diagnostics
Classification: Uncertain significance. Last evaluated: 2021-06-04. Review status: criteria provided, single submitter. Criteria: ACMG Guidelines, 2015. Collection method: clinical testing. Allele origin: germline. Affected: yes. Observed: 1 variant allele.

NM_001807.6(CEL):c.1799G>A (p.Gly600Glu)

Gene: CEL (carboxyl ester lipase; plus strand). Cytogenetic location: 9q34.13.
Variant type: single nucleotide variant.
Coding change: c.1799G>A on transcript NM_001807.6 (MANE Select); coding-DNA position 1799, G replaced by A.
Protein change: p.Gly600Glu; replaces glycine 600 with glutamic acid.
Molecular consequence: missense variant.
Genome position (GRCh38, 1-based): chr9:133,071,301, G>A. VCF-style: chr9-133071301-G-A. GRCh37 (hg19) VCF-style: chr9-135946688-G-A.
Other names: short protein forms G600E.
Identifiers: ClinVar variation 1678436 (VCV001678436.14), dbSNP rs777818976, ClinGen allele CA5303550.
Genomic context (GRCh38, chr9:133,071,301, plus strand): 5'-CCCCCGTGCCGCCCACGGGTGACTCCGGGGCCCCCCCCGTGCCGCCCACGGGTGACTCCG[G>A]GGCCCCCCCCGTGCCGCCCACGGGTGACTCCGGGGCCCCCCCCGTGCCGCCCACGGGTGA-3'
Protein context (NP_001798.3, residues 590-610): APPVPPTGDS[Gly600Glu]APPVPPTGDS